The following is an entry in ClinVar:

ClinVar aggregate classification (germline): Uncertain significance (1 of 4 stars; one submission).

Submission:

GeneDx
Classification: Uncertain significance. Last evaluated: 2026-03-29. Review status: criteria provided, single submitter. Criteria: GeneDx Variant Classification Process June 2021. Collection method: clinical testing. Allele origin: germline.
Comment: Not observed at significant frequency in large population cohorts (gnomAD); In silico analysis suggests that this missense variant does not alter protein structure/function; Has not been previously published as pathogenic or benign to our knowledge

NM_198994.3(TGM6):c.26T>C (p.Val9Ala)

Gene: TGM6 (transglutaminase 6; plus strand). Cytogenetic location: 20p13.
Variant type: single nucleotide variant.
Coding change: c.26T>C on transcript NM_198994.3 (MANE Select); coding-DNA position 26, T replaced by C.
Protein change: p.Val9Ala; replaces valine 9 with alanine.
Molecular consequence: missense variant.
Genome position (GRCh38, 1-based): chr20:2,394,470, T>C. VCF-style: chr20-2394470-T-C. GRCh37 (hg19) VCF-style: chr20-2375116-T-C.
Other names: c.26T>C, p.Val9Ala (NM_001254734.2); short protein forms V9A.
Identifiers: ClinVar variation 5017351 (VCV005017351.1).
Genomic context (GRCh38, chr20:2,394,470, plus strand): 5'-CAGGAGGCCGTGGCCTCATCTCCCTGTCCTCTCCCCACCCAGGGATCAGAGTCACCAAGG[T>C]GGACTGGCAGCGGTCGAGGAATGGCGCTGCCCACCACACCCAGGAGTACCCCTGCCCTGA-3'
Protein context (NP_945345.2, residues 1-19): MAGIRVTK[Val9Ala]DWQRSRNGAA